The following is an entry in ClinVar:

ClinVar aggregate classification (germline): Likely benign. Review status: reviewed by expert panel (3 of 4 stars). 10 submissions from 10 submitters: Likely benign (1). 9 of the submissions do not count toward it. Last evaluated 2023-09-25.

Conditions:
CDH1-related diffuse gastric and lobular breast cancer syndrome. Also called: CDH1-related diffuse gastric and lobular breast cancer. Identifiers: MedGen CN311521, MONDO:0100488.
CDH1-related disorder. Also called: CDH1-related condition.
Breast and/or ovarian cancer. Identifiers: MedGen CN221562.
Hereditary cancer-predisposing syndrome. Also called: Tumor predisposition; Neoplastic Syndromes, Hereditary; Hereditary neoplastic syndrome; Hereditary Cancer Syndrome. Identifiers: Orphanet 140162, MedGen C0027672, MeSH D009386, MONDO:0015356.
Hereditary diffuse gastric adenocarcinoma (HDGC). Also called: DIFFUSE GASTRIC AND LOBULAR BREAST CANCER SYNDROME. Identifiers: Orphanet 26106, MedGen C1708349, MONDO:0007648, OMIM 137215.
Familial cancer of breast. Also called: BREAST CANCER, FAMILIAL; Hereditary breast cancer; hereditary breast carcinoma. Identifiers: Orphanet 227535, MedGen C0346153, MONDO:0016419, OMIM 114480. Disease mechanism: loss of function.

Allele frequency attached by ClinVar (database versions not stated): gnomAD exomes 0.00002; gnomAD 0.00003 and 0.00004; TOPMed 0.00003; ExAC 0.00002.
gnomAD v4.1: 29 of 1,613,846 alleles (0.0018%); highest among the groups gnomAD compares: South Asian, 0.0022%; no homozygotes.

Submissions (10):

Clingen Gastric Cancer Variant Curation Expert Panel
Classification: Likely benign for CDH1-related diffuse gastric and lobular breast cancer syndrome. Last evaluated: 2023-09-25. Review status: reviewed by expert panel. Criteria: ClinGen CDH1 ACMG Specifications V3.1. Collection method: curation. Allele origin: germline. Inheritance: Autosomal dominant inheritance.
Comment: The c.2450C>T (p.Ala817Val) variant results in a missense change in the last exon of CDH1. This variant is present at a frequency 3.3x10-5 (5 of 152,172 alleles) in the gnomAD population database v3.1.2. This variant has been observed in 104 individuals without DGC, LBC or SRC tumours and whose families do not suggest HDGC (BS2; internal laboratory contributors). In vitro studies of the A817V variant suggest reduced binding of B-catenin and reduced cell aggregation in a HEK293T cell model (PMID: 33929593). However, evaluation of the use of functional data by the VCEP indicates that functional data currently available for missense variants cannot yet predict the pathogenicity of CDH1 variants, and it is therefore not considered in the classification for any CDH1 missense variant (Lee et al, 2018; PMID: 30311375). As such, published information from in vitro or in vivo assays assessing impact on function for this missense variant has not been considered for variant curation. In summary, this variant is classified as likely benign based on ACMG/AMP criteria applied as specified by the CDH1 Variant Curation Expert Panel: BS2.

PreventionGenetics, part of Exact Sciences
Classification: Likely benign for CDH1-related condition. Last evaluated: 2026-04-25. Review status: criteria provided, single submitter. Criteria: ACMG Guidelines, 2015. Collection method: clinical testing. Allele origin: germline. Not counted in ClinVar's aggregate classification.
Comment: This variant is classified as likely benign based on ACMG/AMP sequence variant interpretation guidelines (Richards et al. 2015 PMID: 25741868, with internal and published modifications).

Color Diagnostics, LLC DBA Color Health
Classification: Likely benign for Hereditary cancer-predisposing syndrome. Last evaluated: 2025-12-10. Review status: criteria provided, single submitter. Criteria: ACMG Guidelines, 2015. Collection method: clinical testing. Allele origin: germline. Not counted in ClinVar's aggregate classification.

Labcorp Genetics (formerly Invitae), Labcorp
Classification: Likely benign for Hereditary diffuse gastric adenocarcinoma. Last evaluated: 2025-12-10. Review status: criteria provided, single submitter. Criteria: Invitae Variant Classification Sherloc (09022015). Collection method: clinical testing. Allele origin: germline. Not counted in ClinVar's aggregate classification.

Quest Diagnostics Nichols Institute San Juan Capistrano
Classification: Uncertain significance. Last evaluated: 2025-04-08. Review status: criteria provided, single submitter. Criteria: Quest Diagnostics criteria. Collection method: clinical testing. Allele origin: unknown. Not counted in ClinVar's aggregate classification.
Comment: The CDH1 c.2450C>T (p.Ala817Val) variant has been reported in the published literature in individuals with colorectal cancer (PMID: 29212164 (2017), 29338072 (2018)), brain tumor (PMID: 33929593 (2021)), breast cancer (PMID: 33441174 (2021)), and uterine cancer (PMID: 32187665 (2020)), as well as in reportedly unaffected individuals (PMID: 31925297 (2020), 33471991 (2021), see also LOVD). Functional studies demonstrated that this variant had an inconclusive effect on protein function (PMID: 33929593 (2021)). The frequency of this variant in the general population (Genome Aggregation Database) is uninformative in the assessment of its pathogenicity. Analysis of this variant using bioinformatics tools for the prediction of the effect of amino acid changes on protein structure and function yielded deleterious findings. Based on the available information, we are unable to determine the clinical significance of this variant.

Women's Health and Genetics/Laboratory Corporation of America, LabCorp
Classification: Uncertain significance. Last evaluated: 2024-04-23. Review status: criteria provided, single submitter. Criteria: LabCorp Variant Classification Summary - May 2015. Collection method: clinical testing. Allele origin: germline. Not counted in ClinVar's aggregate classification.
Comment: Variant summary: CDH1 c.2450C>T (p.Ala817Val) results in a non-conservative amino acid change in the encoded protein sequence. Four of five in-silico tools predict a damaging effect of the variant on protein function. The variant allele was found at a frequency of 1.8e-05 in 1613846 control chromosomes. This frequency is not significantly higher than estimated for a pathogenic variant in CDH1 causing Breast Cancer (1.8e-05 vs 2.1e-05), allowing no conclusion about variant significance. c.2450C>T has been reported in the literature in individuals affected with colorectal cancer (Ye_2022, Raskin_2017), an individual with invasive pleomorphic lobular carcinoma in the presence of other variants (Reidlinger_2021) in these cases without strong evidence for causality, and in heterozygous individuals from a family affected with gliomas, with the variant segregating with disease (Forster_2021). These reports do not provide unequivocal conclusions about association of the variant with Breast Cancer. One publication reports experimental evidence evaluating an impact on protein function, showing the variant affects cell migration, aggregation, and beta-catenin binding and cellular localization in vitro (e.g. Forster_2021). However, this data is not sufficient to allow convincing conclusions about the variant effect in disease. The following publications have been ascertained in the context of this evaluation (PMID: 33929593, 29212164, 33441174, 36202008). ClinVar contains an entry for this variant (Variation ID: 141802). Based on the evidence outlined above, the variant was classified as uncertain significance.

Baylor Genetics
Classification: Uncertain significance for Familial cancer of breast. Last evaluated: 2024-02-14. Review status: criteria provided, single submitter. Criteria: ACMG Guidelines, 2015. Collection method: clinical testing. Allele origin: unknown. Not counted in ClinVar's aggregate classification.

GeneDx
Classification: Uncertain significance. Last evaluated: 2023-04-06. Review status: criteria provided, single submitter. Criteria: GeneDx Variant Classification Process June 2021. Collection method: clinical testing. Allele origin: germline. Affected: yes. Not counted in ClinVar's aggregate classification.
Comment: Not observed at significant frequency in large population cohorts (gnomAD); In silico analysis supports that this missense variant has a deleterious effect on protein structure/function; Observed in individuals with a personal or family history including colorectal cancer and glioma in published literature (Raskin et al., 2017; Frster et al., 2021); Published functional studies demonstrate a damaging effect: reduced cell aggregation, enhanced cell migration, and reduced B-catenin binding (Frster et al., 2021); This variant is associated with the following publications: (PMID: 23856246, 24163242, 26486520, 29212164, 33929593, 35598687, 15235021, 22850631)

Ambry Genetics
Classification: Likely benign for Hereditary cancer-predisposing syndrome. Last evaluated: 2020-08-21. Review status: criteria provided, single submitter. Criteria: Ambry Variant Classification Scheme 2023. Collection method: clinical testing. Allele origin: germline. Not counted in ClinVar's aggregate classification.

CHEO Genetics Diagnostic Laboratory, Children's Hospital of Eastern Ontario
Classification: Uncertain significance for Breast and/or ovarian cancer. Last evaluated: 2020-03-31. Review status: criteria provided, single submitter. Criteria: ACMG Guidelines, 2015. Collection method: clinical testing. Allele origin: germline. Not counted in ClinVar's aggregate classification.

Literature cited by the submitters: PubMed 29212164 (cited by 3 submitters); PubMed 33929593 (cited by Quest Diagnostics Nichols Institute San Juan Capistrano and Women's Health and Genetics/Laboratory Corporation of America, LabCorp); PubMed 33471991 (cited by Quest Diagnostics Nichols Institute San Juan Capistrano); PubMed 33441174 (cited by Quest Diagnostics Nichols Institute San Juan Capistrano and Women's Health and Genetics/Laboratory Corporation of America, LabCorp); PubMed 31925297 (cited by Quest Diagnostics Nichols Institute San Juan Capistrano); PubMed 32187665 (cited by Quest Diagnostics Nichols Institute San Juan Capistrano); PubMed 29338072 (cited by Quest Diagnostics Nichols Institute San Juan Capistrano); PubMed 36202008 (cited by Women's Health and Genetics/Laboratory Corporation of America, LabCorp).

NM_004360.5(CDH1):c.2450C>T (p.Ala817Val)

Gene: CDH1 (cadherin 1; plus strand). Cytogenetic location: 16q22.1.
Variant type: single nucleotide variant.
Coding change: c.2450C>T on transcript NM_004360.5 (MANE Select); coding-DNA position 2450, C replaced by T.
Protein change: p.Ala817Val; replaces alanine 817 with valine.
Molecular consequence: missense variant.
Genome position (GRCh38, 1-based): chr16:68,833,300, C>T. VCF-style: chr16-68833300-C-T. GRCh37 (hg19) VCF-style: chr16-68867203-C-T.
Other names: NM_004360.5(CDH1):c.2450C>T; c.2450C>T (LRG_301t1); c.2267C>T, p.Ala756Val (NM_001317184.2); c.902C>T, p.Ala301Val (NM_001317185.2); c.485C>T, p.Ala162Val (NM_001317186.2); short protein forms A817V, A162V, A301V, A756V.
Identifiers: ClinVar variation 141802 (VCV000141802.35), dbSNP rs587782024, ClinGen allele CA166465.
Genomic context (GRCh38, chr16:68,833,300, plus strand): 5'-AGGTGTGCCCTTCCTTTCACTAAAAGATGCTTTTGTCCCTTCTTCTTTAGAATCTGAAAG[C>T]GGCTGATACTGACCCCACAGCCCCGCCTTATGATTCTCTGCTCGTGTTTGACTATGAAGG-3'
Protein context (NP_004351.1, residues 807-827): IGNFIDENLK[Ala817Val]ADTDPTAPPY